The following is an entry in ClinVar:

NM_033215.5(PPP1R3F):c.1143+8G>A

Gene: PPP1R3F (protein phosphatase 1 regulatory subunit 3F; plus strand). Cytogenetic location: Xp11.23.
Variant type: single nucleotide variant.
Coding change: c.1143+8G>A on transcript NM_033215.5 (MANE Select); 8 bases into the intron after coding-DNA position 1143, G replaced by A.
Molecular consequence: intron variant.
Genome position (GRCh38, 1-based): chrX:49,282,071, G>A. VCF-style: chrX-49282071-G-A. GRCh37 (hg19) VCF-style: chrX-49138534-G-A.
Other names: c.105+8G>A (NM_001184745.2).
Identifiers: ClinVar variation 4978268 (VCV004978268.1).
Genomic context (GRCh38, chrX:49,282,071, plus strand): 5'-GTCCACTGGTAGCCCCCACCCCTCTCCGTCCATGGCCCCAGATGACACTTCAGGTAAGTG[G>A]GTCCTTGCAGCCTTGGAGTAGACAGCCCAATAGGAGGCTCACAGTGTGACTATTGCTGGG-3'

ClinVar aggregate classification (germline): Likely benign (1 of 4 stars; one submission).

Conditions:
PPP1R3F-related condition.

gnomAD v4.1: 30 of 1,182,891 alleles (0.0025%); highest among the groups gnomAD compares: Non-Finnish European, 0.003%; no homozygotes.

Submission:

PreventionGenetics, part of Exact Sciences
Classification: Likely benign for PPP1R3F-related condition. Last evaluated: 2025-07-29. Review status: criteria provided, single submitter. Criteria: ACMG Guidelines, 2015. Collection method: clinical testing. Allele origin: germline.
Comment: This variant is classified as likely benign based on ACMG/AMP sequence variant interpretation guidelines (Richards et al. 2015 PMID: 25741868, with internal and published modifications).